The following is an entry in ClinVar:

ClinVar aggregate classification (germline): Uncertain significance (1 of 4 stars; one submission).

gnomAD v4.1: 8 of 1,614,038 alleles (0.0005%); highest among the groups gnomAD compares: African/African-American, 0.0013%; no homozygotes.

Submission:

GeneDx
Classification: Uncertain significance. Last evaluated: 2024-05-29. Review status: criteria provided, single submitter. Criteria: GeneDx Variant Classification Process June 2021. Collection method: clinical testing. Allele origin: germline. Affected: yes.
Comment: Not observed at significant frequency in large population cohorts (gnomAD); In silico analysis indicates that this missense variant does not alter protein structure/function; Has not been previously published as pathogenic or benign to our knowledge

NM_005068.3(SIM1):c.424G>A (p.Ala142Thr)

Gene: SIM1 (SIM bHLH transcription factor 1; minus strand). Cytogenetic location: 6q16.3.
Variant type: single nucleotide variant.
Coding change: c.424G>A on transcript NM_005068.3 (MANE Select); coding-DNA position 424, G replaced by A.
Protein change: p.Ala142Thr; replaces alanine 142 with threonine.
Molecular consequence: missense variant.
Genome position (GRCh38, 1-based): chr6:100,449,624, C>T on the plus strand (G>A on the coding strand, the complement: SIM1 is on the minus strand). VCF-style: chr6-100449624-C-T. GRCh37 (hg19) VCF-style: chr6-100897500-C-T.
Other names: c.424G>A, p.Ala142Thr (NM_001374769.1); short protein forms A142T.
Identifiers: ClinVar variation 1302039 (VCV001302039.3), dbSNP rs1476807175, ClinGen allele CA365126561.